The following is an entry in ClinVar:

ClinVar aggregate classification (germline): Benign/Likely benign. Review status: criteria provided, multiple submitters, no conflicts (2 of 4 stars). 4 submissions from 4 submitters: Benign (2); Likely benign (2). Last evaluated 2026-05-12.

Conditions:
Iodotyrosyl coupling defect (TDH3). Also called: THYROID HORMONOGENESIS, GENETIC DEFECT IN, 3; HYPOTHYROIDISM, CONGENITAL, DUE TO DYSHORMONOGENESIS, 3. Identifiers: Orphanet 95716, MedGen C0342194, MONDO:0010135, OMIM 274700.

Allele frequency attached by ClinVar (database versions not stated): gnomAD exomes 0.00545 and 0.00198; 1000 Genomes Project 0.02476; gnomAD 0.02181 and 0.02324; 1000 Genomes Project 30x 0.02577; ESP Exome Variant Server 0.02568; ExAC 0.00699; TOPMed 0.02378.
gnomAD v4.1: 6,366 of 1,614,182 alleles (0.39%); highest among the groups gnomAD compares: African/African-American, 7.5%; 231 homozygotes.

Submissions (4):

Women's Health and Genetics/Laboratory Corporation of America, LabCorp
Classification: Benign. Last evaluated: 2026-05-12. Review status: criteria provided, single submitter. Criteria: LabCorp Variant Classification Summary - May 2015. Collection method: clinical testing. Allele origin: germline.

Labcorp Genetics (formerly Invitae), Labcorp
Classification: Benign. Last evaluated: 2026-01-31. Review status: criteria provided, single submitter. Criteria: Invitae Variant Classification Sherloc (09022015). Collection method: clinical testing. Allele origin: germline.

Illumina Laboratory Services, Illumina
Classification: Likely benign for Iodotyrosyl coupling defect. Last evaluated: 2018-01-12. Review status: criteria provided, single submitter. Criteria: ICSL Variant Classification Criteria 13 December 2019. Collection method: clinical testing. Allele origin: germline.
Comment: This variant was observed in the ICSL laboratory as part of a predisposition screen in an ostensibly healthy population. It had not been previously curated by ICSL or reported in the Human Gene Mutation Database (HGMD: prior to June 1st, 2018), and was therefore a candidate for classification through an automated scoring system. Utilizing variant allele frequency, disease prevalence and penetrance estimates, and inheritance mode, an automated score was calculated to assess if this variant is too frequent to cause the disease. Based on the score and internal cut-off values, a variant classified as likely benign is not then subjected to further curation. The score for this variant resulted in a classification of likely benign for this disease.

Breakthrough Genomics
Classification: Likely benign. Review status: criteria provided, single submitter. Criteria: ACMG Guidelines, 2015. Collection method: not provided. Allele origin: germline. Inheritance: Autosomal recessive inheritance. Affected: yes.

NM_003235.5(TG):c.1332C>T (p.Ile444=)

Gene: TG (thyroglobulin; plus strand). Cytogenetic location: 8q24.22.
Variant type: single nucleotide variant.
Coding change: c.1332C>T on transcript NM_003235.5 (MANE Select); coding-DNA position 1332, C replaced by T.
Protein change: p.Ile444=; no amino-acid change (isoleucine 444 retained).
Molecular consequence: synonymous variant.
Genome position (GRCh38, 1-based): chr8:132,886,704, C>T. VCF-style: chr8-132886704-C-T. GRCh37 (hg19) VCF-style: chr8-133898949-C-T.
Identifiers: ClinVar variation 776385 (VCV000776385.13), dbSNP rs61741629, ClinGen allele CA4883164.